The following is an entry in ClinVar:

NM_004369.4(COL6A3):c.103G>T (p.Gly35Cys)

Gene: COL6A3 (collagen type VI alpha 3 chain; minus strand). Cytogenetic location: 2q37.3.
Variant type: single nucleotide variant.
Coding change: c.103G>T on transcript NM_004369.4 (MANE Select); coding-DNA position 103, G replaced by T.
Protein change: p.Gly35Cys; replaces glycine 35 with cysteine.
Molecular consequence: missense variant. On other transcripts: intron variant (4).
Genome position (GRCh38, 1-based): chr2:237,395,193, C>A on the plus strand (G>T on the coding strand, the complement: COL6A3 is on the minus strand). VCF-style: chr2-237395193-C-A. GRCh37 (hg19) VCF-style: chr2-238303836-C-A.
Other names: c.91+1534G>T (NM_057166.5, NM_057167.4, NM_057164.5 and 1 more transcripts); short protein forms G35C.
Identifiers: ClinVar variation 3672841 (VCV003672841.2).

ClinVar aggregate classification (germline): Uncertain significance (1 of 4 stars; one submission).

Conditions:
Bethlem myopathy 1A. Also called: MYOPATHY, BENIGN CONGENITAL, WITH CONTRACTURES; Bethlem myopathy 1; Bethlem Muscular Dystrophy. Identifiers: Orphanet 610, MedGen CN029274, MONDO:0024530, OMIM 158810.

Submission:

Labcorp Genetics (formerly Invitae), Labcorp
Classification: Uncertain significance for Bethlem myopathy 1A. Last evaluated: 2024-06-25. Review status: criteria provided, single submitter. Criteria: Invitae Variant Classification Sherloc (09022015). Collection method: clinical testing. Allele origin: germline.
Comment: This sequence change replaces glycine, which is neutral and non-polar, with cysteine, which is neutral and slightly polar, at codon 35 of the COL6A3 protein (p.Gly35Cys). This variant is present in population databases (rs778530814, gnomAD 0.003%). This variant has not been reported in the literature in individuals affected with COL6A3-related conditions. Advanced modeling of protein sequence and biophysical properties (such as structural, functional, and spatial information, amino acid conservation, physicochemical variation, residue mobility, and thermodynamic stability) performed at Invitae indicates that this missense variant is not expected to disrupt COL6A3 protein function with a negative predictive value of 95%. In summary, the available evidence is currently insufficient to determine the role of this variant in disease. Therefore, it has been classified as a Variant of Uncertain Significance.